The following is an entry in ClinVar:

ClinVar aggregate classification (germline): Uncertain significance (1 of 4 stars; one submission).

Conditions:
SH2B1-related disorder. Also called: SH2B1-related condition.

gnomAD v4.1: 6 of 1,575,190 alleles (0.00038%); highest among the groups gnomAD compares: African/African-American, 0.0068%; no homozygotes.

Submission:

PreventionGenetics, part of Exact Sciences
Classification: Uncertain significance for SH2B1-related condition. Last evaluated: 2025-02-27. Review status: criteria provided, single submitter. Criteria: ACMG Guidelines, 2015. Collection method: clinical testing. Allele origin: germline.
Comment: The SH2B1 c.93G>T variant is predicted to result in the amino acid substitution p.Glu31Asp. To our knowledge, this variant has not been reported in the literature. This variant is reported in 0.011% of alleles in individuals of African descent in gnomAD. At this time, the clinical significance of this variant is uncertain due to the absence of conclusive functional and genetic evidence.

NM_001387430.1(SH2B1):c.93G>T (p.Glu31Asp)

Gene: SH2B1 (SH2B adaptor protein 1; plus strand). Cytogenetic location: 16p11.2.
Variant type: single nucleotide variant.
Coding change: c.93G>T on transcript NM_001387430.1 (MANE Select); coding-DNA position 93, G replaced by T.
Protein change: p.Glu31Asp; replaces glutamic acid 31 with aspartic acid.
Molecular consequence: missense variant. On other transcripts: intron variant (1).
Genome position (GRCh38, 1-based): chr16:28,866,187, G>T. VCF-style: chr16-28866187-G-T. GRCh37 (hg19) VCF-style: chr16-28877508-G-T.
Other names: c.93G>T, p.Glu31Asp (NM_001145795.2, NM_001145796.2, NM_001145797.2 and 4 more transcripts); c.-26-1187G>T (NM_001308294.2); short protein forms E31D.
Identifiers: ClinVar variation 4984127 (VCV004984127.1).